The following is an entry in ClinVar:

NM_005612.5(REST):c.1514A>T (p.His505Leu)

Gene: REST (RE1 silencing transcription factor; plus strand). Cytogenetic location: 4q12.
Variant type: single nucleotide variant.
Coding change: c.1514A>T on transcript NM_005612.5 (MANE Select); coding-DNA position 1514, A replaced by T.
Protein change: p.His505Leu; replaces histidine 505 with leucine.
Molecular consequence: missense variant.
Genome position (GRCh38, 1-based): chr4:56,930,372, A>T. VCF-style: chr4-56930372-A-T. GRCh37 (hg19) VCF-style: chr4-57796538-A-T.
Other names: c.1514A>T, p.His505Leu (NM_001363453.3, NM_001193508.2); short protein forms H505L.
Identifiers: ClinVar variation 2842785 (VCV002842785.3), dbSNP rs1720903446, ClinGen allele CA357006789.
Genomic context (GRCh38, chr4:56,930,372, plus strand): 5'-TGATCCAGGTGACTACCAGAACTCGAAAATCAGTAACAGAGGTGAAAGAGATGGATGTGC[A>T]TACAGGAAGCAATTCAGAAAAATTCAGTAAAACTAAGAAAAGCAAAAGGAAGCTGGAAGT-3'
Protein context (NP_005603.3, residues 495-515): SVTEVKEMDV[His505Leu]TGSNSEKFSK

ClinVar aggregate classification (germline): Uncertain significance (1 of 4 stars; one submission).

Submission:

Labcorp Genetics (formerly Invitae), Labcorp
Classification: Uncertain significance. Last evaluated: 2023-03-04. Review status: criteria provided, single submitter. Criteria: Invitae Variant Classification Sherloc (09022015). Collection method: clinical testing. Allele origin: germline.
Comment: This sequence change replaces histidine, which is basic and polar, with leucine, which is neutral and non-polar, at codon 505 of the REST protein (p.His505Leu). This variant is not present in population databases (gnomAD no frequency). This variant has not been reported in the literature in individuals affected with REST-related conditions. An algorithm developed to predict the effect of missense changes on protein structure and function (PolyPhen-2) suggests that this variant is likely to be tolerated. In summary, the available evidence is currently insufficient to determine the role of this variant in disease. Therefore, it has been classified as a Variant of Uncertain Significance.